The following is an entry in ClinVar:

NM_020937.4(FANCM):c.2784G>T (p.Gln928His)

Gene: FANCM (FA complementation group M; plus strand). Cytogenetic location: 14q21.2.
Variant type: single nucleotide variant.
Coding change: c.2784G>T on transcript NM_020937.4 (MANE Select); coding-DNA position 2784, G replaced by T.
Protein change: p.Gln928His; replaces glutamine 928 with histidine.
Molecular consequence: missense variant.
Genome position (GRCh38, 1-based): chr14:45,175,538, G>T. VCF-style: chr14-45175538-G-T. GRCh37 (hg19) VCF-style: chr14-45644741-G-T.
Other names: c.2706G>T, p.Gln902His (NM_001308133.2); short protein forms Q902H, Q928H.
Identifiers: ClinVar variation 2812131 (VCV002812131.4), dbSNP rs1401424489, ClinGen allele CA389599171.

ClinVar aggregate classification (germline): Uncertain significance. Review status: criteria provided, multiple submitters, no conflicts (2 of 4 stars). 2 submissions from 2 submitters: Uncertain significance (2). Last evaluated 2026-07-23.

Conditions:
Fanconi anemia (FA). Also called: Fanconi's anemia. Identifiers: Orphanet 84, MedGen C0015625, MeSH D005199, MONDO:0019391.
Inborn genetic diseases. Identifiers: MedGen C0950123, MeSH D030342.

Submissions (2):

Ambry Genetics
Classification: Uncertain significance for Inborn genetic diseases. Last evaluated: 2026-07-23. Review status: criteria provided, single submitter. Criteria: Ambry Variant Classification Scheme 2023. Collection method: clinical testing. Allele origin: germline.
Comment: The p.Q928H variant (also known as c.2784G>T), located in coding exon 14 of the FANCM gene, results from a G to T substitution at nucleotide position 2784. The glutamine at codon 928 is replaced by histidine, an amino acid with highly similar properties. This amino acid position is conserved. In addition, this alteration is predicted to be tolerated by in silico analysis. Based on the available evidence, the clinical significance of this variant remains unclear.

Labcorp Genetics (formerly Invitae), Labcorp
Classification: Uncertain significance for Fanconi anemia. Last evaluated: 2023-07-12. Review status: criteria provided, single submitter. Criteria: Invitae Variant Classification Sherloc (09022015). Collection method: clinical testing. Allele origin: germline.
Comment: An algorithm developed to predict the effect of missense changes on protein structure and function (PolyPhen-2) suggests that this variant is likely to be disruptive. This sequence change replaces glutamine, which is neutral and polar, with histidine, which is basic and polar, at codon 928 of the FANCM protein (p.Gln928His). This variant is not present in population databases (gnomAD no frequency). This variant has not been reported in the literature in individuals affected with FANCM-related conditions. In summary, the available evidence is currently insufficient to determine the role of this variant in disease. Therefore, it has been classified as a Variant of Uncertain Significance.